The following is an entry in ClinVar:

ClinVar aggregate classification (germline): Likely benign (1 of 4 stars; one submission).

Allele frequency attached by ClinVar (database versions not stated): 1000 Genomes Project 0.00160; 1000 Genomes Project 30x 0.00187; gnomAD 0.00555; TOPMed 0.00576; ExAC 0.00587; gnomAD exomes 0.00727; ESP Exome Variant Server 0.00791.
gnomAD v4.1: 11,332 of 1,599,684 alleles (0.71%); highest among the groups gnomAD compares: Non-Finnish European, 0.86%; 53 homozygotes.

Submission:

CeGaT Center for Human Genetics Tuebingen
Classification: Likely benign. Last evaluated: 2023-04-01. Review status: criteria provided, single submitter. Criteria: CeGaT Center For Human Genetics Tuebingen Variant Classification Criteria Version 2. Collection method: clinical testing. Allele origin: germline. Affected: yes. Observed: 2 variant alleles.
Comment: SBSPON: BP4, BP7, BS2

NM_153225.4(SBSPON):c.396C>T (p.Cys132=)

Gene: SBSPON (somatomedin B and thrombospondin type 1 domain containing; minus strand). Cytogenetic location: 8q21.11.
Variant type: single nucleotide variant.
Coding change: c.396C>T on transcript NM_153225.4 (MANE Select); coding-DNA position 396, C replaced by T.
Protein change: p.Cys132=; no amino-acid change (cysteine 132 retained).
Molecular consequence: synonymous variant.
Genome position (GRCh38, 1-based): chr8:73,081,032, G>A on the plus strand (C>T on the coding strand, the complement: SBSPON is on the minus strand). VCF-style: chr8-73081032-G-A. GRCh37 (hg19) VCF-style: chr8-73993267-G-A.
Identifiers: ClinVar variation 2658653 (VCV002658653.24), dbSNP rs117453532, ClinGen allele CA4782433.